The following is an entry in ClinVar:

ClinVar aggregate classification (germline): Likely benign. Review status: reviewed by expert panel (3 of 4 stars). 9 submissions from 9 submitters: Likely benign (1). 8 of the submissions do not count toward it. Last evaluated 2017-06-29.

Conditions:
Hereditary cancer-predisposing syndrome. Also called: Tumor predisposition; Neoplastic Syndromes, Hereditary; Hereditary neoplastic syndrome; Hereditary Cancer Syndrome. Identifiers: Orphanet 140162, MedGen C0027672, MeSH D009386, MONDO:0015356.
Hereditary breast ovarian cancer syndrome. Also called: Hereditary breast and ovarian cancer; Hereditary breast and ovarian cancer syndrome; Hereditary breast and ovarian cancer syndrome (HBOC); Hereditary breast and/or ovarian cancer syndrome; Breast and ovarian cancer; BRCA1- and BRCA2-Associated Hereditary Breast and Ovarian Cancer. Identifiers: Orphanet 145, MedGen C0677776, MeSH D061325, MONDO:0003582. Disease mechanism: loss of function.
Breast-ovarian cancer, familial, susceptibility to, 1 (BROVCA1). Also called: BRCA1 Hereditary Breast and Ovarian Cancer; OVARIAN CANCER, SUSCEPTIBILITY TO. Identifiers: Orphanet 145, MedGen C2676676, MONDO:0011450, OMIM 604370. Disease mechanism: loss of function.

Allele frequency attached by ClinVar (database versions not stated): gnomAD 0.00001; gnomAD exomes 0.00001; TOPMed 0.00001.

Submissions (10):

Evidence-based Network for the Interpretation of Germline Mutant Alleles (ENIGMA)
Classification: Likely benign for Breast-ovarian cancer, familial, susceptibility to, 1. Last evaluated: 2017-06-29. Review status: reviewed by expert panel. Criteria: ENIGMA BRCA1/2 Classification Criteria (2017-06-29). Collection method: curation. Allele origin: germline.
Comment: Synonymous substitution variant, with low bioinformatic likelihood to result in a splicing aberration (Splicing prior probability 0.02).

CeGaT Center for Human Genetics Tuebingen
Classification: Likely benign. Last evaluated: 2026-09-01. Review status: criteria provided, single submitter. Criteria: CeGaT Center For Human Genetics Tuebingen Variant Classification Criteria Version 2. Collection method: clinical testing. Allele origin: germline. Affected: yes. Observed: 1 variant allele. Not counted in ClinVar's aggregate classification.
Comment: BRCA1: BP4, BP7

Labcorp Genetics (formerly Invitae), Labcorp
Classification: Likely benign for Hereditary breast ovarian cancer syndrome. Last evaluated: 2026-01-31. Review status: criteria provided, single submitter. Criteria: Invitae Variant Classification Sherloc (09022015). Collection method: clinical testing. Allele origin: germline. Not counted in ClinVar's aggregate classification.

KCCC/NGS Laboratory, Kuwait Cancer Control Center
Classification: Likely benign for Breast-ovarian cancer, familial, susceptibility to, 1. Last evaluated: 2023-07-07. Review status: criteria provided, single submitter. Criteria: ACMG Guidelines, 2015. Collection method: clinical testing. Allele origin: germline. Affected: yes. Not counted in ClinVar's aggregate classification.

GeneDx
Classification: Likely benign. Last evaluated: 2020-10-27. Review status: criteria provided, single submitter. Criteria: GeneDx Variant Classification Process June 2021. Collection method: clinical testing. Allele origin: germline. Affected: yes. Not counted in ClinVar's aggregate classification.
Comment: This variant is associated with the following publications: (PMID: 30209399, 26913838, 21673748, 23893897, 23249957)

Women's Health and Genetics/Laboratory Corporation of America, LabCorp
Classification: Likely benign. Last evaluated: 2019-07-22. Review status: criteria provided, single submitter. Criteria: LabCorp Variant Classification Summary - May 2015. Collection method: clinical testing. Allele origin: germline. Not counted in ClinVar's aggregate classification.

Quest Diagnostics Nichols Institute San Juan Capistrano
Classification: Benign. Last evaluated: 2018-10-29. Review status: criteria provided, single submitter. Criteria: Quest Diagnostics criteria. Collection method: clinical testing. Allele origin: germline. Not counted in ClinVar's aggregate classification.

Color Diagnostics, LLC DBA Color Health
Classification: Likely benign for Hereditary cancer-predisposing syndrome. Last evaluated: 2017-06-14. Review status: criteria provided, single submitter. Criteria: ACMG Guidelines, 2015. Collection method: clinical testing. Allele origin: germline. Not counted in ClinVar's aggregate classification.

Ambry Genetics
Classification: Likely benign for Hereditary cancer-predisposing syndrome. Last evaluated: 2015-12-24. Review status: criteria provided, single submitter. Criteria: Ambry Variant Classification Scheme 2023. Collection method: clinical testing. Allele origin: germline. Not counted in ClinVar's aggregate classification.

Brotman Baty Institute, University of Washington
No classification provided (evidence only). Condition: Breast-ovarian cancer, familial 1. Review status: no classification provided. Collection method: in vitro. Allele origin: not applicable. Functional consequence: functionally_normal. Not counted in ClinVar's aggregate classification.
ClinVar note: "not provided" was previously submitted as the classification for the variant. However, the classification appeared to be based only on an observation of functional data so it was converted to no classification on 2025-07-30.

Literature cited by the submitters: PubMed 23249957 (cited by Women's Health and Genetics/Laboratory Corporation of America, LabCorp and Quest Diagnostics Nichols Institute San Juan Capistrano); PubMed 21673748 (cited by Women's Health and Genetics/Laboratory Corporation of America, LabCorp and Quest Diagnostics Nichols Institute San Juan Capistrano); PubMed 23893897 (cited by Quest Diagnostics Nichols Institute San Juan Capistrano).

NM_007294.4(BRCA1):c.5124G>A (p.Ala1708=)

Gene: BRCA1 (BRCA1 DNA repair associated; minus strand). Cytogenetic location: 17q21.31.
Variant type: single nucleotide variant.
Coding change: c.5124G>A on transcript NM_007294.4 (MANE Select); coding-DNA position 5124, G replaced by A.
Protein change: p.Ala1708=; no amino-acid change (alanine 1708 retained).
Molecular consequence: synonymous variant. On other transcripts: intron variant (2).
Genome position (GRCh38, 1-based): chr17:43,063,902, C>T on the plus strand (G>A on the coding strand, the complement: BRCA1 is on the minus strand). VCF-style: chr17-43063902-C-T. GRCh37 (hg19) VCF-style: chr17-41215919-C-T.
Other names: c.4911G>A, p.Ala1637= (NM_001407571.1, NM_001407894.1, NM_001407895.1 and 12 more transcripts); c.5190G>A, p.Ala1730= (NM_001407581.1, NM_001407582.1); c.5187G>A, p.Ala1729= (NM_001407583.1, NM_001407585.1, NM_001407587.1 and 1 more transcripts); c.5184G>A, p.Ala1728= (NM_001407590.1, NM_001407591.1); c.5124G>A, p.Ala1708= (NM_001407593.1, NM_001407594.1, NM_001407596.1 and 7 more transcripts); c.5121G>A, p.Ala1707= (NM_001407610.1, NM_001407611.1, NM_001407612.1 and 17 more transcripts); c.5118G>A, p.Ala1706= (NM_001407627.1, NM_001407628.1, NM_001407629.1 and 14 more transcripts); c.5115G>A, p.Ala1705= (NM_001407644.1, NM_001407645.1); and 74 more.
Identifiers: ClinVar variation 378958 (VCV000378958.34), dbSNP rs1057520432, ClinGen allele CA16607606.